The following is an entry in ClinVar:

NM_020433.5(JPH2):c.1573A>G (p.Thr525Ala)

Gene: JPH2 (junctophilin 2; minus strand). Cytogenetic location: 20q13.12.
Variant type: single nucleotide variant.
Coding change: c.1573A>G on transcript NM_020433.5 (MANE Select); coding-DNA position 1573, A replaced by G.
Protein change: p.Thr525Ala; replaces threonine 525 with alanine.
Molecular consequence: missense variant.
Genome position (GRCh38, 1-based): chr20:44,116,102, T>C on the plus strand (A>G on the coding strand, the complement: JPH2 is on the minus strand). VCF-style: chr20-44116102-T-C. GRCh37 (hg19) VCF-style: chr20-42744742-T-C.
Other names: short protein forms T525A.
Identifiers: ClinVar variation 1982171 (VCV001982171.5), dbSNP rs1158318107, ClinGen allele CA409100351.

ClinVar aggregate classification (germline): Conflicting classifications of pathogenicity. Review status: criteria provided, conflicting classifications (1 of 4 stars). 2 submissions from 2 submitters: Uncertain significance (1); Likely benign (1). Last evaluated 2025-07-03.

Conditions:
Cardiovascular phenotype. Identifiers: MedGen CN230736.
Hypertrophic cardiomyopathy. Also called: HYPERTROPHIC MYOCARDIOPATHY. Identifiers: Orphanet 217569, MedGen C0007194, MeSH D002312, MONDO:0005045, HP:0001639.

Allele frequency attached by ClinVar (database versions not stated): TOPMed below 0.00001; gnomAD 0.00001; gnomAD exomes 0.00001; 1000 Genomes Project 30x 0.00016.
gnomAD v4.1: 21 of 1,492,566 alleles (0.0014%); highest among the groups gnomAD compares: South Asian, 0.026%; no homozygotes.

Submissions (2):

Ambry Genetics
Classification: Likely benign for Cardiovascular phenotype. Last evaluated: 2025-07-03. Review status: criteria provided, single submitter. Criteria: Ambry Variant Classification Scheme 2023. Collection method: clinical testing. Allele origin: germline.

Labcorp Genetics (formerly Invitae), Labcorp
Classification: Uncertain significance for Hypertrophic cardiomyopathy. Last evaluated: 2024-11-21. Review status: criteria provided, single submitter. Criteria: Invitae Variant Classification Sherloc (09022015). Collection method: clinical testing. Allele origin: germline.
Comment: This sequence change replaces threonine, which is neutral and polar, with alanine, which is neutral and non-polar, at codon 525 of the JPH2 protein (p.Thr525Ala). The frequency data for this variant in the population databases is considered unreliable, as metrics indicate poor data quality at this position in the gnomAD database. This variant has not been reported in the literature in individuals affected with JPH2-related conditions. ClinVar contains an entry for this variant (Variation ID: 1982171). An algorithm developed to predict the effect of missense changes on protein structure and function (PolyPhen-2) suggests that this variant is likely to be tolerated. In summary, the available evidence is currently insufficient to determine the role of this variant in disease. Therefore, it has been classified as a Variant of Uncertain Significance.